The following is an entry in ClinVar:

ClinVar aggregate classification (germline): Uncertain significance (1 of 4 stars; one submission).

Conditions:
Paroxysmal nonkinesigenic dyskinesia. Also called: Paroxysmal non-kinesigenic dyskinesia. Identifiers: Orphanet 98810, MedGen C1869117, MONDO:0700088.

gnomAD v4.1: 1 of 1,613,824 alleles (0.000062%); highest among the groups gnomAD compares: Non-Finnish European, 0.000085%; no homozygotes.

Submission:

Labcorp Genetics (formerly Invitae), Labcorp
Classification: Uncertain significance for Paroxysmal nonkinesigenic dyskinesia. Last evaluated: 2019-01-11. Review status: criteria provided, single submitter. Criteria: Invitae Variant Classification Sherloc (09022015). Collection method: clinical testing. Allele origin: germline.
Comment: In summary, the available evidence is currently insufficient to determine the role of this variant in disease. Therefore, it has been classified as a Variant of Uncertain Significance. The current clinical and genetic evidence is not sufficient to establish whether loss-of-function variants in PNKD cause disease. This variant has not been reported in the literature in individuals with PNKD-related conditions. This variant is not present in population databases (ExAC no frequency). This sequence change affects an acceptor splice site in intron 9 of the PNKD gene. It is expected to disrupt RNA splicing and likely results in an absent or disrupted protein product.

NM_015488.5(PNKD):c.985-1G>C

Genes: PNKD (PNKD metallo-beta-lactamase domain containing; plus strand), CATIP-AS2 (CATIP antisense RNA 2; minus strand). Cytogenetic location: 2q35.
Variant type: single nucleotide variant.
Coding change: c.985-1G>C on transcript NM_015488.5 (MANE Select); the canonical splice acceptor site of the intron before coding-DNA position 985, G replaced by C.
Molecular consequence: splice acceptor variant.
Genome position (GRCh38, 1-based): chr2:218,344,807, G>C. VCF-style: chr2-218344807-G-C. GRCh37 (hg19) VCF-style: chr2-219209530-G-C.
Other names: c.913-1G>C (NM_022572.4).
Identifiers: ClinVar variation 863116 (VCV000863116.10), dbSNP rs1694783221, ClinGen allele CA350543093.